The following is an entry in ClinVar:

NM_000535.7(PMS2):c.1482G>A (p.Ser494=)

Gene: PMS2 (PMS1 homolog 2, mismatch repair system component; minus strand). Cytogenetic location: 7p22.1.
Variant type: single nucleotide variant.
Coding change: c.1482G>A on transcript NM_000535.7 (MANE Select); coding-DNA position 1482, G replaced by A.
Protein change: p.Ser494=; no amino-acid change (serine 494 retained).
Molecular consequence: synonymous variant. On other transcripts: non-coding transcript variant (1).
Genome position (GRCh38, 1-based): chr7:5,987,283, C>T on the plus strand (G>A on the coding strand, the complement: PMS2 is on the minus strand). VCF-style: chr7-5987283-C-T. GRCh37 (hg19) VCF-style: chr7-6026914-C-T.
Other names: c.1077G>A, p.Ser359= (NM_001322003.2, NM_001322004.2, NM_001322005.2 and 1 more transcripts); c.1326G>A, p.Ser442= (NM_001322006.2); c.1164G>A, p.Ser388= (NM_001322007.2, NM_001322008.2); c.921G>A, p.Ser307= (NM_001322010.2); c.549G>A, p.Ser183= (NM_001322011.2, NM_001322012.2); c.909G>A, p.Ser303= (NM_001322013.2); c.1482G>A, p.Ser494= (NM_001322014.2); c.1173G>A, p.Ser391= (NM_001322015.2).
Identifiers: ClinVar variation 220155 (VCV000220155.86), dbSNP rs864622398, ClinGen allele CA349238.
Genomic context (GRCh38, chr7:5,987,283, plus strand): 5'-GTGACTGCCCGTGTCTGGGATGCTGAACCCCTCAGAATCCACGGAAGTGCTGCCGTGCCC[C>T]GAGTCCTTCTCCACCTCCGCTCTGTCCGTAGGGTCACTGGGTCCGTGACTGGAACTCACT-3'
Protein context (NP_000526.2, residues 484-504): PTDRAEVEKD[Ser494=]GHGSTSVDSE

ClinVar aggregate classification (germline): Benign/Likely benign. Review status: criteria provided, multiple submitters, no conflicts (2 of 4 stars). 12 submissions from 12 submitters: Benign (2); Likely benign (9). 1 of the submissions does not count toward it. Last evaluated 2025-12-29.

Conditions:
Hereditary nonpolyposis colorectal neoplasms. Identifiers: MedGen C0009405, MeSH D003123.
Hereditary cancer-predisposing syndrome. Also called: Neoplastic Syndromes, Hereditary; Hereditary Cancer Syndrome; Tumor predisposition; Hereditary neoplastic syndrome. Identifiers: Orphanet 140162, MedGen C0027672, MeSH D009386, MONDO:0015356.
Lynch syndrome 4 (LYNCH4). Also called: Colorectal cancer, hereditary nonpolyposis, type 4; Hereditary non-polyposis colorectal cancer, type 4. Identifiers: Orphanet 144, MedGen C1838333, MONDO:0013699, OMIM 614337. Disease mechanism: loss of function.
Malignant tumor of breast. Also called: Malignant breast neoplasm; Cancer breast. Identifiers: MedGen C0006142, MONDO:0007254. Disease mechanism: loss of function.

Allele frequency attached by ClinVar (database versions not stated): gnomAD exomes below 0.00001; TOPMed 0.00002.
gnomAD v4.1: 5 of 1,614,124 alleles (0.00031%); highest among the groups gnomAD compares: Non-Finnish European, 0.00034%; no homozygotes.

Submissions (12):

Center for Genomic Medicine, Rigshospitalet, Copenhagen University Hospital
Classification: Likely benign. Last evaluated: 2025-12-29. Review status: criteria provided, single submitter. Criteria: ACMG Guidelines, 2015. Collection method: clinical testing. Allele origin: germline.

CeGaT Center for Human Genetics Tuebingen
Classification: Likely benign. Last evaluated: 2025-12-01. Review status: criteria provided, single submitter. Criteria: CeGaT Center For Human Genetics Tuebingen Variant Classification Criteria Version 2. Collection method: clinical testing. Allele origin: germline. Affected: yes. Observed: 4 variant alleles.
Comment: PMS2: BP4, BP7

Labcorp Genetics (formerly Invitae), Labcorp
Classification: Likely benign for Hereditary nonpolyposis colorectal neoplasms. Last evaluated: 2025-10-02. Review status: criteria provided, single submitter. Criteria: Invitae Variant Classification Sherloc (09022015). Collection method: clinical testing. Allele origin: germline.

KCCC/NGS Laboratory, Kuwait Cancer Control Center
Classification: Benign for Lynch syndrome 4. Last evaluated: 2025-02-01. Review status: criteria provided, single submitter. Criteria: ACMG Guidelines, 2015. Collection method: clinical testing. Allele origin: germline. Affected: no.

Myriad Genetics, Inc.
Classification: Benign for Lynch syndrome 4. Last evaluated: 2025-01-30. Review status: criteria provided, single submitter. Criteria: Myriad Autosomal Dominant, Autosomal Recessive and X-Linked Classification Criteria (2023). Collection method: clinical testing. Allele origin: unknown.
Comment: This variant is considered benign. This variant is a silent/synonymous amino acid change and it is not expected to impact splicing.

Women's Health and Genetics/Laboratory Corporation of America, LabCorp
Classification: Likely benign. Last evaluated: 2024-08-09. Review status: criteria provided, single submitter. Criteria: LabCorp Variant Classification Summary - May 2015. Collection method: clinical testing. Allele origin: germline.
Comment: Variant summary: PMS2 c.1482G>A results in a synonymous change. Consensus agreement among computation tools predict no significant impact on normal splicing. However, these predictions have yet to be confirmed by functional studies. The variant allele was found at a frequency of 4e-06 in 251434 control chromosomes, however this data must be considered with caution due to pseudogene interference. The available data on variant occurrences in the general population are insufficient to allow any conclusion about variant significance. To our knowledge, no occurrence of c.1482G>A in individuals affected with PMS2-related conditions and no experimental evidence demonstrating its impact on protein function have been reported. ClinVar contains an entry for this variant (Variation ID: 220155). Based on the evidence outlined above, the variant was classified as likely benign.

Blueprint Genetics
Classification: Likely benign. Last evaluated: 2024-05-27. Review status: criteria provided, single submitter. Criteria: ACMG Guidelines, 2015. Collection method: clinical testing. Allele origin: germline.

Sema4
Classification: Likely benign for Hereditary cancer-predisposing syndrome. Last evaluated: 2021-08-25. Review status: criteria provided, single submitter. Criteria: Sema4 Curation Guidelines. Collection method: curation. Allele origin: germline.

GeneDx
Classification: Likely benign. Last evaluated: 2019-05-01. Review status: criteria provided, single submitter. Criteria: GeneDx Variant Classification Process June 2021. Collection method: clinical testing. Allele origin: germline. Affected: yes.

Color Diagnostics, LLC DBA Color Health
Classification: Likely benign for Hereditary cancer-predisposing syndrome. Last evaluated: 2017-09-05. Review status: criteria provided, single submitter. Criteria: ACMG Guidelines, 2015. Collection method: clinical testing. Allele origin: germline.

Ambry Genetics
Classification: Likely benign for Hereditary cancer-predisposing syndrome. Last evaluated: 2015-11-27. Review status: criteria provided, single submitter. Criteria: Ambry Variant Classification Scheme 2023. Collection method: clinical testing. Allele origin: germline.

Department of Pathology and Laboratory Medicine, Sinai Health System
Classification: Uncertain significance for Malignant tumor of breast. Review status: no assertion criteria provided. Collection method: clinical testing. Allele origin: unknown. Affected: yes. Study: The Canadian Open Genetics Repository (COGR). Not counted in ClinVar's aggregate classification.
Comment: The PMS2 p.Ser494= variant was not identified in the literature. The variant was identified in dbSNP (rs864622398) as â€šÃ„Ãºwith likely benign alleleâ€šÃ„Ã¹ and ClinVar (classified as likely benign by Invitae, Ambry Genetics, GeneDx and Color). The variant was identified in control databases in 1 of 246,212 chromosomes at a frequency of 0.000004 (Genome Aggregation Database Feb 27, 2017). The variant was observed in the European population in 1 of 111,688 chromosomes (freq: 0.000009), while the variant was not observed in the African, Other, Latino, Ashkenazi Jewish, East Asian, Finnish or South Asian populations. The p.Ser494= variant is not expected to have clinical significance because it does not result in a change of amino acid and is not located in a known consensus splice site. The variant occurs at a non-conserved nucleotide outside of the splicing consensus sequence and 1 of 4 in silico or computational prediction software programs (SpliceSiteFinder, MaxEntScan, NNSPLICE, GeneSplicer) predict a greater than 10% difference in splicing; this is not very predictive of pathogenicity. In summary, based on the above information, the clinical significance of this variant cannot be determined with certainty at this time. This variant is classified as a variant of uncertain significance.